The following is an entry in ClinVar:

ClinVar aggregate classification (germline): Uncertain significance (1 of 4 stars; one submission).

Submission:

CeGaT Center for Human Genetics Tuebingen
Classification: Uncertain significance. Last evaluated: 2025-05-01. Review status: criteria provided, single submitter. Criteria: CeGaT Center For Human Genetics Tuebingen Variant Classification Criteria Version 2. Collection method: clinical testing. Allele origin: germline. Affected: yes. Observed: 1 variant allele.
Comment: MAPKBP1: PM2, BP4

NM_014994.3(MAPKBP1):c.3530G>C (p.Arg1177Thr)

Gene: MAPKBP1 (mitogen-activated protein kinase binding protein 1; plus strand). Cytogenetic location: 15q15.1.
Variant type: single nucleotide variant.
Coding change: c.3530G>C on transcript NM_014994.3 (MANE Select); coding-DNA position 3530, G replaced by C.
Protein change: p.Arg1177Thr; replaces arginine 1177 with threonine.
Molecular consequence: missense variant. On other transcripts: non-coding transcript variant (2), intron variant (1).
Genome position (GRCh38, 1-based): chr15:41,823,154, G>C. VCF-style: chr15-41823154-G-C. GRCh37 (hg19) VCF-style: chr15-42115352-G-C.
Other names: c.3548G>C, p.Arg1183Thr (NM_001128608.2); c.3382+148G>C (NM_001265611.2); short protein forms R1177T, R1183T.
Identifiers: ClinVar variation 3905223 (VCV003905223.10).
Genomic context (GRCh38, chr15:41,823,154, plus strand): 5'-CAGCCTCTGTGCTGTTGCCACGATGCCGTCTCAACCCTGACAGCAGCTGGGCTCCCAAGA[G>C]AGTGGCCACAGCCAGCCCCTTTTCTGGACTCCAGAAGGCCCAGTCTGTGCACAGTCTGGT-3'
Protein context (NP_055809.2, residues 1167-1187): LNPDSSWAPK[Arg1177Thr]VATASPFSGL